The following is an entry in ClinVar:

ClinVar aggregate classification (germline): Pathogenic (1 of 4 stars; one submission).

Conditions:
Sotos syndrome (SOTOS). Also called: Sotos' syndrome; Distinctive facial appearance, overgrowth in childhood, and learning disabilities or delayed development; CEREBRAL GIGANTISM; CHROMOSOME 5q35 DELETION SYNDROME; SOTOS SYNDROME 1. Identifiers: Orphanet 821, MedGen C0175695, MONDO:0019349, OMIM 117550.

Submission:

Broad Center for Mendelian Genomics, Broad Institute of MIT and Harvard
Classification: Pathogenic. Last evaluated: 2023-05-02. Review status: criteria provided, single submitter. Criteria: ACMG Guidelines, 2015. Collection method: curation. Allele origin: germline. Inheritance: Autosomal dominant inheritance.
Comment: Trio exome analysis showed this variant to be de novo. The p.Gln1302Ter variant in NSD1 has not been previously reported in individuals with Sotos syndrome 1. This variant was absent from large population studies. This nonsense variant leads to a premature termination codon at position 1302, which is predicted to lead to a truncated or absent protein. Heterozygous loss of function of the NSD1 gene is an established disease mechanism in Sotos syndrome 1. In summary, this variant meets criteria to be classified as pathogenic for autosomal dominant Sotos syndrome 1. ACMG/AMP Criteria applied: PVS1, PS2_Supporting, PM2_Supporting (Richards 2015).

NM_022455.5(NSD1):c.3904C>T (p.Gln1302Ter)

Gene: NSD1 (nuclear receptor binding SET domain protein 1; plus strand). Cytogenetic location: 5q35.3.
Variant type: single nucleotide variant.
Coding change: c.3904C>T on transcript NM_022455.5 (MANE Select); coding-DNA position 3904, C replaced by T.
Protein change: p.Gln1302Ter; replaces glutamine 1302 with a stop codon.
Molecular consequence: nonsense.
Genome position (GRCh38, 1-based): chr5:177,235,928, C>T. VCF-style: chr5-177235928-C-T. GRCh37 (hg19) VCF-style: chr5-176662929-C-T.
Other names: NM_172349.3:c.3097C>T; c.3031C>T, p.Gln1011Ter (NM_001365684.2, NM_001409306.1, NM_001409307.1 and 3 more transcripts); c.3904C>T, p.Gln1302Ter (NM_001409301.1, NM_001409302.1, NM_001409303.1); c.3484C>T, p.Gln1162Ter (NM_001409304.1); c.3151C>T, p.Gln1051Ter (NM_001409305.1); short protein forms Q1011*, Q1051*, Q1162*, Q1302*.
Identifiers: ClinVar variation 2500905 (VCV002500905.2), dbSNP rs2480581122, ClinGen allele CA362338492.